The following is an entry in ClinVar:

NM_024649.5(BBS1):c.1097T>A (p.Val366Asp)

Genes: BBS1 (Bardet-Biedl syndrome 1; plus strand), ZDHHC24 (zDHHC palmitoyltransferase 24; minus strand). Cytogenetic location: 11q13.2.
Variant type: single nucleotide variant.
Coding change: c.1097T>A on transcript NM_024649.5 (MANE Select); coding-DNA position 1097, T replaced by A.
Protein change: p.Val366Asp; replaces valine 366 with aspartic acid.
Molecular consequence: missense variant. On other transcripts: intron variant (1).
Genome position (GRCh38, 1-based): chr11:66,523,869, T>A. VCF-style: chr11-66523869-T-A. GRCh37 (hg19) VCF-style: chr11-66291340-T-A.
Other names: c.*22-2403A>T (NM_001348571.2); short protein forms V366D.
Identifiers: ClinVar variation 2137160 (VCV002137160.5), dbSNP rs2495780320, ClinGen allele CA381462747.

ClinVar aggregate classification (germline): Conflicting classifications of pathogenicity. Review status: criteria provided, conflicting classifications (1 of 4 stars). 3 submissions from 3 submitters: Pathogenic (2); Uncertain significance (1). Last evaluated 2026-08-25.

Conditions:
Bardet-Biedl syndrome (BBS). Identifiers: Orphanet 110, MedGen C0752166, MONDO:0015229.
Bardet-Biedl syndrome 1 (BBS1). Identifiers: MedGen C2936862, MONDO:0008854, OMIM 209900. Disease mechanism: loss of function.

Allele frequency attached by ClinVar (database versions not stated): gnomAD exomes below 0.00001.
gnomAD v4.1: 1 of 1,613,338 alleles (0.000062%); highest among the groups gnomAD compares: Admixed American, 0.0017%; no homozygotes.

Submissions (3):

Myriad Genetics, Inc.
Classification: Uncertain significance for Bardet-Biedl syndrome 1. Last evaluated: 2026-08-25. Review status: criteria provided, single submitter. Criteria: Myriad Autosomal Dominant, Autosomal Recessive and X-Linked Classification Criteria (2023). Collection method: clinical testing. Allele origin: unknown.
Comment: NM_024649.4(BBS1):c.1097T>A(V366D) is a missense variant classified as a variant of uncertain significance in the context of Bardet-Biedl syndrome, BBS1-related. V366D has been observed in cases with relevant disease (PMID: 24611592). Relevant functional assessments of this variant are not available in the literature. V366D has not been observed in referenced population frequency databases. In summary, there is insufficient evidence to classify NM_024649.4(BBS1):c.1097T>A(V366D) as pathogenic or benign. Please note: this variant was assessed in the context of healthy population screening.

Labcorp Genetics (formerly Invitae), Labcorp
Classification: Pathogenic for Bardet-Biedl syndrome. Last evaluated: 2025-09-02. Review status: criteria provided, single submitter. Criteria: Invitae Variant Classification Sherloc (09022015). Collection method: clinical testing. Allele origin: germline.
Comment: This sequence change replaces valine, which is neutral and non-polar, with aspartic acid, which is acidic and polar, at codon 366 of the BBS1 protein (p.Val366Asp). This variant is not present in population databases (gnomAD no frequency). This missense change has been observed in individual(s) with clincial features of Bardet-Biedl syndrome (PMID: 24611592; internal data). ClinVar contains an entry for this variant (Variation ID: 2137160). Invitae Evidence Modeling of protein sequence and biophysical properties (such as structural, functional, and spatial information, amino acid conservation, physicochemical variation, residue mobility, and thermodynamic stability) has been performed for this missense variant. However, the output from this modeling did not meet the statistical confidence thresholds required to predict the impact of this variant on BBS1 protein function. Experimental studies have shown that this missense change affects BBS1 function (PMID: 31506453). For these reasons, this variant has been classified as Pathogenic.

Women's Health and Genetics/Laboratory Corporation of America, LabCorp
Classification: Pathogenic for Bardet-Biedl syndrome. Last evaluated: 2023-07-17. Review status: criteria provided, single submitter. Criteria: LabCorp Variant Classification Summary - May 2015. Collection method: clinical testing. Allele origin: germline.
Comment: Variant summary: BBS1 c.1097T>A (p.Val366Asp) results in a non-conservative amino acid change located in the WD40 repeat domain (Castro-Sanchez_2019) of the encoded protein sequence. Four of five in-silico tools predict a damaging effect of the variant on protein function. The variant was absent in 250344 control chromosomes (gnomAD). c.1097T>A has been reported in the literature in multiple homozygous and compound heterozygous individuals affected with Bardet-Biedl Syndrome (e.g., Alvarez-Satta_2014, Castro-Sanchez_2015, Perea-Romero_2022). These data indicate that the variant is very likely to be associated with disease. At least one publication reports experimental evidence evaluating an impact on protein function. In a zebrafish model, the variant resulted in a reduction in both cilia length (70% of the wild type) and number (42% of the wild type), as well as smaller eyes, shortened body axes, and other gastrulation defects (e.g., Castro-Sanchez_2019). The following publications have been ascertained in the context of this evaluation (PMID: 24611592, 26082521, 31506453, 35835773). One submitter has reported clinical-significance assessments for this variant to ClinVar after 2014 and has classified the variant as likely pathogenic. Based on the evidence outlined above, the variant was classified as pathogenic.

Literature cited by the submitters: PubMed 24611592 (cited by 3 submitters); PubMed 31506453 (cited by Labcorp Genetics (formerly Invitae), Labcorp and Women's Health and Genetics/Laboratory Corporation of America, LabCorp); PubMed 26082521 (cited by Women's Health and Genetics/Laboratory Corporation of America, LabCorp); PubMed 35835773 (cited by Women's Health and Genetics/Laboratory Corporation of America, LabCorp).